The following is an entry in ClinVar:

NM_006269.2(RP1):c.6154C>T (p.Gln2052Ter)

Gene: RP1 (RP1 axonemal microtubule associated; plus strand). Cytogenetic location: 8q12.1.
Variant type: single nucleotide variant.
Coding change: c.6154C>T on transcript NM_006269.2 (MANE Select); coding-DNA position 6154, C replaced by T.
Protein change: p.Gln2052Ter; replaces glutamine 2052 with a stop codon.
Molecular consequence: nonsense. On other transcripts: intron variant (1).
Genome position (GRCh38, 1-based): chr8:54,630,036, C>T. VCF-style: chr8-54630036-C-T. GRCh37 (hg19) VCF-style: chr8-55542596-C-T.
Other names: c.787+7748C>T (NM_001375654.1); short protein forms Q2052*.
Identifiers: ClinVar variation 1075672 (VCV001075672.10), dbSNP rs2129318575, ClinGen allele CA370990812.
Genomic context (GRCh38, chr8:54,630,036, plus strand): 5'-TTTTGTATGAATTTCTTGCACACATCATTGTTAGTTGTGGGTAATGTGGATTCAAATACA[C>T]AAGACCTCAGCGGTCAGACAAATGAAATCTTTAAAGCAGTCGATGAGAATAACAACTTAT-3'

ClinVar aggregate classification (germline): Pathogenic (1 of 4 stars; one submission).

gnomAD v4.1: 1 of 1,614,008 alleles (0.000062%); no homozygotes.

Submission:

Labcorp Genetics (formerly Invitae), Labcorp
Classification: Pathogenic. Last evaluated: 2024-11-18. Review status: criteria provided, single submitter. Criteria: Invitae Variant Classification Sherloc (09022015). Collection method: clinical testing. Allele origin: germline.
Comment: This sequence change creates a premature translational stop signal (p.Gln2052*) in the RP1 gene. While this is not anticipated to result in nonsense mediated decay, it is expected to disrupt the last 105 amino acid(s) of the RP1 protein. This variant is not present in population databases (gnomAD no frequency). This variant has not been reported in the literature in individuals affected with RP1-related conditions. ClinVar contains an entry for this variant (Variation ID: 1075672). This variant disrupts the C-terminus of the RP1 protein. Many variants that disrupt this region have been reported in individuals with either autosomal dominant or autosomal recessive retinitis pigmentosa (PMID: 11527933, 19933189, 29425069, 30027431, 33681214). Therefore, variants that disrupt this region are expected to be disease-causing. For these reasons, this variant has been classified as Pathogenic.

Literature cited by the submitters: PubMed 11527933; PubMed 19933189; PubMed 29425069; PubMed 30027431; PubMed 33681214.